The following is an entry in ClinVar:

ClinVar aggregate classification (germline): Uncertain significance (1 of 4 stars; one submission).

Conditions:
Rhabdoid tumor predisposition syndrome 2 (RTPS2). Identifiers: Orphanet 231108, Orphanet 69077, MedGen C2750074, MONDO:0013224, OMIM 613325.

Submission:

Labcorp Genetics (formerly Invitae), Labcorp
Classification: Uncertain significance for Rhabdoid tumor predisposition syndrome 2. Last evaluated: 2025-05-21. Review status: criteria provided, single submitter. Criteria: Invitae Variant Classification Sherloc (09022015). Collection method: clinical testing. Allele origin: germline.
Comment: This sequence change replaces glutamic acid, which is acidic and polar, with glycine, which is neutral and non-polar, at codon 419 of the SMARCA4 protein (p.Glu419Gly). This variant is not present in population databases (gnomAD no frequency). This variant has not been reported in the literature in individuals affected with SMARCA4-related conditions. Invitae Evidence Modeling of protein sequence and biophysical properties (such as structural, functional, and spatial information, amino acid conservation, physicochemical variation, residue mobility, and thermodynamic stability) indicates that this missense variant is expected to disrupt SMARCA4 protein function with a positive predictive value of 80%. In summary, the available evidence is currently insufficient to determine the role of this variant in disease. Therefore, it has been classified as a Variant of Uncertain Significance.

NM_003072.5(SMARCA4):c.1256A>G (p.Glu419Gly)

Gene: SMARCA4 (SWI/SNF related BAF chromatin remodeling complex subunit ATPase 4; plus strand). Cytogenetic location: 19p13.2.
Variant type: single nucleotide variant.
Coding change: c.1256A>G on transcript NM_003072.5 (MANE Select); coding-DNA position 1256, A replaced by G.
Protein change: p.Glu419Gly; replaces glutamic acid 419 with glycine.
Molecular consequence: missense variant. On other transcripts: non-coding transcript variant (1).
Genome position (GRCh38, 1-based): chr19:10,991,160, A>G. VCF-style: chr19-10991160-A-G. GRCh37 (hg19) VCF-style: chr19-11101836-A-G.
Other names: c.1256A>G, p.Glu419Gly (NM_001128844.3, NM_001128845.2, NM_001128846.2 and 6 more transcripts); short protein forms E419G.
Identifiers: ClinVar variation 4802550 (VCV004802550.1).